The following is an entry in ClinVar:

ClinVar aggregate classification (germline): Uncertain significance (1 of 4 stars; one submission).

Conditions:
Hereditary cancer-predisposing syndrome. Also called: Neoplastic Syndromes, Hereditary; Tumor predisposition; Hereditary neoplastic syndrome; Hereditary Cancer Syndrome. Identifiers: Orphanet 140162, MedGen C0027672, MeSH D009386, MONDO:0015356.

Submission:

Ambry Genetics
Classification: Uncertain significance for Hereditary cancer-predisposing syndrome. Last evaluated: 2018-08-24. Review status: criteria provided, single submitter. Criteria: Ambry Variant Classification Scheme 2023. Collection method: clinical testing. Allele origin: germline.
Comment: The p.E2582G variant (also known as c.7745A>G), located in coding exon 15 of the APC gene, results from an A to G substitution at nucleotide position 7745. The glutamic acid at codon 2582 is replaced by glycine, an amino acid with similar properties. This amino acid position is highly conserved in available vertebrate species. In addition, in silico predictors for this gene do not accurately predict pathogenicity. Since supporting evidence is limited at this time, the clinical significance of this alteration remains unclear.

NM_000038.6(APC):c.7745A>G (p.Glu2582Gly)

Gene: APC (APC regulator of Wnt signaling pathway; plus strand). Cytogenetic location: 5q22.2.
Variant type: single nucleotide variant.
Coding change: c.7745A>G on transcript NM_000038.6 (MANE Select); coding-DNA position 7745, A replaced by G.
Protein change: p.Glu2582Gly; replaces glutamic acid 2582 with glycine.
Molecular consequence: missense variant.
Genome position (GRCh38, 1-based): chr5:112,843,339, A>G. VCF-style: chr5-112843339-A-G. GRCh37 (hg19) VCF-style: chr5-112179036-A-G.
Other names: c.7745A>G, p.Glu2582Gly (NM_001127510.3, NM_001354895.2); c.7691A>G, p.Glu2564Gly (NM_001127511.3); c.7799A>G, p.Glu2600Gly (NM_001354896.2); c.7775A>G, p.Glu2592Gly (NM_001354897.2); c.7670A>G, p.Glu2557Gly (NM_001354898.2); c.7661A>G, p.Glu2554Gly (NM_001354899.2); c.7622A>G, p.Glu2541Gly (NM_001354900.2); c.7568A>G, p.Glu2523Gly (NM_001354901.2); and 5 more; short protein forms E2541G, E2299G, E2481G, E2557G, E2564G, E2600G, E2456G, E2491G.
Identifiers: ClinVar variation 827236 (VCV000827236.4), dbSNP rs1580686177, ClinGen allele CA16038152.